The following is an entry in ClinVar:

ClinVar aggregate classification (germline): Benign/Likely benign. Review status: criteria provided, multiple submitters, no conflicts (2 of 4 stars). 3 submissions from 3 submitters: Benign (1); Likely benign (2). Last evaluated 2025-06-17.

Conditions:
Hereditary cancer-predisposing syndrome. Also called: Neoplastic Syndromes, Hereditary; Tumor predisposition; Hereditary neoplastic syndrome; Hereditary Cancer Syndrome. Identifiers: Orphanet 140162, MedGen C0027672, MeSH D009386, MONDO:0015356.
POLD1-related polyposis and colorectal cancer syndrome (CRCS10). Also called: COLORECTAL CANCER, SUSCEPTIBILITY TO, ON CHROMOSOME 19q; Colorectal cancer 10; Colorectal cancer, susceptibility to, 10. Identifiers: Orphanet 220460, MedGen C2675481, MONDO:0012953, OMIM 612591.

Submissions (3):

Labcorp Genetics (formerly Invitae), Labcorp
Classification: Likely benign for POLD1-related polyposis and colorectal cancer syndrome. Last evaluated: 2025-06-17. Review status: criteria provided, single submitter. Criteria: Invitae Variant Classification Sherloc (09022015). Collection method: clinical testing. Allele origin: germline.

Myriad Genetics, Inc.
Classification: Benign for POLD1-related polyposis and colorectal cancer syndrome. Last evaluated: 2025-02-06. Review status: criteria provided, single submitter. Criteria: Myriad Autosomal Dominant, Autosomal Recessive and X-Linked Classification Criteria (2023). Collection method: clinical testing. Allele origin: unknown.
Comment: This variant is considered benign. This variant is a silent/synonymous amino acid change and it is not expected to impact splicing.

Ambry Genetics
Classification: Likely benign for Hereditary cancer-predisposing syndrome. Last evaluated: 2020-06-19. Review status: criteria provided, single submitter. Criteria: Ambry Variant Classification Scheme 2023. Collection method: clinical testing. Allele origin: germline.

NM_002691.4(POLD1):c.1365G>A (p.Val455=)

Gene: POLD1 (DNA polymerase delta 1, catalytic subunit; plus strand). Cytogenetic location: 19q13.33.
Variant type: single nucleotide variant.
Coding change: c.1365G>A on transcript NM_002691.4 (MANE Select); coding-DNA position 1365, G replaced by A.
Protein change: p.Val455=; no amino-acid change (valine 455 retained).
Molecular consequence: synonymous variant. On other transcripts: non-coding transcript variant (1).
Genome position (GRCh38, 1-based): chr19:50,406,304, G>A. VCF-style: chr19-50406304-G-A. GRCh37 (hg19) VCF-style: chr19-50909561-G-A.
Other names: c.1365G>A, p.Val455= (NM_001256849.1, NM_001308632.1).
Identifiers: ClinVar variation 1770924 (VCV001770924.4), dbSNP rs2122321402, ClinGen allele CA508304813.